The following is an entry in ClinVar:

NM_015338.6(ASXL1):c.1594T>G (p.Ser532Ala)

Gene: ASXL1 (ASXL transcriptional regulator 1; plus strand). Cytogenetic location: 20q11.21.
Variant type: single nucleotide variant.
Coding change: c.1594T>G on transcript NM_015338.6 (MANE Select); coding-DNA position 1594, T replaced by G.
Protein change: p.Ser532Ala; replaces serine 532 with alanine.
Molecular consequence: missense variant.
Genome position (GRCh38, 1-based): chr20:32,433,792, T>G. VCF-style: chr20-32433792-T-G. GRCh37 (hg19) VCF-style: chr20-31021595-T-G.
Other names: c.1411T>G, p.Ser471Ala (NM_001363734.1); short protein forms S532A, S471A.
Identifiers: ClinVar variation 3791614 (VCV003791614.1).

ClinVar aggregate classification (germline): Uncertain significance (1 of 4 stars; one submission).

Conditions:
Inborn genetic diseases. Identifiers: MedGen C0950123, MeSH D030342.

Submission:

Ambry Genetics
Classification: Uncertain significance for Inborn genetic diseases. Last evaluated: 2024-12-22. Review status: criteria provided, single submitter. Criteria: Ambry Variant Classification Scheme 2023. Collection method: clinical testing. Allele origin: germline.
Comment: The p.S532A variant (also known as c.1594T>G), located in coding exon 12 of the ASXL1 gene, results from a T to G substitution at nucleotide position 1594. The serine at codon 532 is replaced by alanine, an amino acid with similar properties. This amino acid position is conserved. In addition, this alteration is predicted to be tolerated by in silico analysis. Based on the available evidence, the clinical significance of this variant remains unclear.